The following is an entry in ClinVar:

NM_000232.5(SGCB):c.433del (p.Val145fs)

Gene: SGCB (sarcoglycan beta; minus strand). Cytogenetic location: 4q12.
Variant type: Deletion.
Coding change: c.433del on transcript NM_000232.5 (MANE Select); coding-DNA position 433, one base deleted (G; older notation c.433delG).
Protein change: p.Val145fs; shifts the reading frame from valine 145.
Molecular consequence: frameshift variant.
Genome position (GRCh38, 1-based): chr4:52,028,918, C deleted on the plus strand (G on the coding strand, the reverse complement: SGCB is on the minus strand). VCF-style (leftmost placement, unchanged base first): chr4-52028917-AC-A. GRCh37 (hg19) VCF-style: chr4-52895083-AC-A.
Other names: short protein forms V145fs.
Identifiers: ClinVar variation 2966468 (VCV002966468.3), dbSNP rs2475222171, ClinGen allele CA2740091275.
Genomic context (GRCh38, chr4:52,028,917, plus strand): 5'-TCACTTGTAATAGAAGTTTTGTTGTTTTCTACACTGAGCTTTGTTGTCCCTTGCTGAAAA[AC>A]AATCTTCAAAAAAAACAGTTTATTGTGAATATATTTTCAAAGAAGACTGCAAACAAAATT-3'

ClinVar aggregate classification (germline): Pathogenic (1 of 4 stars; one submission).

Conditions:
Autosomal recessive limb-girdle muscular dystrophy type 2E (LGMDR4). Also called: MUSCULAR DYSTROPHY, LIMB-GIRDLE, AUTOSOMAL RECESSIVE 4. Identifiers: Orphanet 119, MedGen C1858593, MONDO:0011423, OMIM 604286. Disease mechanism: Affects gamma-sarcoglycan and also disrupts the integrity of the entire sarcoglycan complex..

Submission:

Labcorp Genetics (formerly Invitae), Labcorp
Classification: Pathogenic for Autosomal recessive limb-girdle muscular dystrophy type 2E. Last evaluated: 2023-04-13. Review status: criteria provided, single submitter. Criteria: Invitae Variant Classification Sherloc (09022015). Collection method: clinical testing. Allele origin: germline.
Comment: This variant is not present in population databases (gnomAD no frequency). This sequence change creates a premature translational stop signal (p.Val145Phefs*11) in the SGCB gene. It is expected to result in an absent or disrupted protein product. Loss-of-function variants in SGCB are known to be pathogenic (PMID: 15938573, 18285821). This variant has not been reported in the literature in individuals affected with SGCB-related conditions. For these reasons, this variant has been classified as Pathogenic.

Literature cited by the submitters: PubMed 15938573; PubMed 18285821.